The following is an entry in ClinVar:

NM_000523.4(HOXD13):c.164G>C (p.Gly55Ala)

Gene: HOXD13 (homeobox D13; plus strand). Cytogenetic location: 2q31.1.
Variant type: single nucleotide variant.
Coding change: c.164G>C on transcript NM_000523.4 (MANE Select); coding-DNA position 164, G replaced by C.
Protein change: p.Gly55Ala; replaces glycine 55 with alanine.
Molecular consequence: missense variant.
Genome position (GRCh38, 1-based): chr2:176,093,054, G>C. VCF-style: chr2-176093054-G-C. GRCh37 (hg19) VCF-style: chr2-176957782-G-C.
Other names: short protein forms G55A.
Identifiers: ClinVar variation 1947461 (VCV001947461.5), dbSNP rs1443225761, ClinGen allele CA349352214.

ClinVar aggregate classification (germline): Uncertain significance (1 of 4 stars; one submission).

gnomAD v4.1: 1 of 1,374,062 alleles (0.000073%); no homozygotes.

Submission:

Labcorp Genetics (formerly Invitae), Labcorp
Classification: Uncertain significance. Last evaluated: 2025-03-17. Review status: criteria provided, single submitter. Criteria: Invitae Variant Classification Sherloc (09022015). Collection method: clinical testing. Allele origin: germline.
Comment: This sequence change replaces glycine, which is neutral and non-polar, with alanine, which is neutral and non-polar, at codon 55 of the HOXD13 protein (p.Gly55Ala). This variant is not present in population databases (gnomAD no frequency). This variant has not been reported in the literature in individuals affected with HOXD13-related conditions. ClinVar contains an entry for this variant (Variation ID: 1947461). An algorithm developed to predict the effect of missense changes on protein structure and function (PolyPhen-2) suggests that this variant is likely to be tolerated. In summary, the available evidence is currently insufficient to determine the role of this variant in disease. Therefore, it has been classified as a Variant of Uncertain Significance.